The following is an entry in ClinVar:

NM_001040108.2(MLH3):c.3370G>T (p.Asp1124Tyr)

Gene: MLH3 (mutL homolog 3; minus strand). Cytogenetic location: 14q24.3.
Variant type: single nucleotide variant.
Coding change: c.3370G>T on transcript NM_001040108.2 (MANE Select); coding-DNA position 3370, G replaced by T.
Protein change: p.Asp1124Tyr; replaces aspartic acid 1124 with tyrosine.
Molecular consequence: missense variant.
Genome position (GRCh38, 1-based): chr14:75,042,388, C>A on the plus strand (G>T on the coding strand, the complement: MLH3 is on the minus strand). VCF-style: chr14-75042388-C-A. GRCh37 (hg19) VCF-style: chr14-75509091-C-A.
Other names: c.3370G>T, p.Asp1124Tyr (NM_014381.3); short protein forms D1124Y.
Identifiers: ClinVar variation 4552137 (VCV004552137.1).

ClinVar aggregate classification (germline): Uncertain significance (1 of 4 stars; one submission).

Submission:

Ambry Genetics
Classification: Uncertain significance. Last evaluated: 2025-12-11. Review status: criteria provided, single submitter. Criteria: Ambry Variant Classification Scheme 2023. Collection method: clinical testing. Allele origin: germline.
Comment: The p.D1124Y variant (also known as c.3370G>T), located in coding exon 2 of the MLH3 gene, results from a G to T substitution at nucleotide position 3370. The aspartic acid at codon 1124 is replaced by tyrosine, an amino acid with highly dissimilar properties. This amino acid position is conserved. In addition, this alteration is predicted to be tolerated by in silico analysis. Based on the available evidence, the clinical significance of this variant remains unclear.